The following is an entry in ClinVar:

NM_001134665.3(TRMT10A):c.665C>T (p.Ala222Val)

Gene: TRMT10A (tRNA methyltransferase 10A; minus strand). Cytogenetic location: 4q23.
Variant type: single nucleotide variant.
Coding change: c.665C>T on transcript NM_001134665.3 (MANE Select); coding-DNA position 665, C replaced by T.
Protein change: p.Ala222Val; replaces alanine 222 with valine.
Molecular consequence: missense variant.
Genome position (GRCh38, 1-based): chr4:99,550,971, G>A on the plus strand (C>T on the coding strand, the complement: TRMT10A is on the minus strand). VCF-style: chr4-99550971-G-A. GRCh37 (hg19) VCF-style: chr4-100472128-G-A.
Other names: c.665C>T, p.Ala222Val (NM_001134666.3, NM_001375880.1, NM_001375881.1 and 1 more transcripts); c.644C>T, p.Ala215Val (NM_001375882.1); short protein forms A222V, A215V.
Identifiers: ClinVar variation 720573 (VCV000720573.17), dbSNP rs140905333, ClinGen allele CA3021462.
Genomic context (GRCh38, chr4:99,550,971, plus strand): 5'-CTATTCATCTTCACAAAATTTCCAAGTGGGAGCTGTGCATGATTGATTCCATAATCTGAC[G>A]CTTGTTTATATGTGAGTCCCTAAAACAAAGACACTATGACTTCGACAAGAACATTAAATT-3'
Protein context (NP_001128137.1, residues 212-232): NHHKGLTYKQ[Ala222Val]SDYGINHAQL

ClinVar aggregate classification (germline): Conflicting classifications of pathogenicity. Review status: criteria provided, conflicting classifications (1 of 4 stars). 5 submissions from 5 submitters: Uncertain significance (3); Likely benign (1). 1 of the submissions does not count toward it. Last evaluated 2026-01-28.

Conditions:
Microcephaly, short stature, and impaired glucose metabolism 1 (MSSGM1). Identifiers: Orphanet 391408, MedGen C4014997, MONDO:0000208, OMIM 616033.
TRMT10A-related disorder. Also called: TRMT10A-related condition.

Allele frequency attached by ClinVar (database versions not stated): gnomAD exomes 0.00023 and 0.00009; ExAC 0.00026; 1000 Genomes Project 30x 0.00062; gnomAD 0.00076 and 0.00081; 1000 Genomes Project 0.00080; TOPMed 0.00088; ESP Exome Variant Server 0.00123.
gnomAD v4.1: 245 of 1,611,388 alleles (0.015%); highest among the groups gnomAD compares: African/African-American, 0.25%; no homozygotes.

Submissions (5):

Labcorp Genetics (formerly Invitae), Labcorp
Classification: Likely benign. Last evaluated: 2026-01-28. Review status: criteria provided, single submitter. Criteria: Invitae Variant Classification Sherloc (09022015). Collection method: clinical testing. Allele origin: germline.

Clinical Genomics Laboratory, Washington University in St. Louis
Classification: Uncertain significance for Microcephaly, short stature, and impaired glucose metabolism 1. Last evaluated: 2024-06-05. Review status: criteria provided, single submitter. Criteria: ACMG Guidelines, 2015. Collection method: clinical testing. Allele origin: germline.
Comment: A TRMT10A c.665C>T (p.Ala222Val) variant was identified. This variant, to our knowledge, has not been reported in the medical literature. The TRMT10A c.665C>T (p.Ala222Val) variant is observed on 86/280,764 alleles in the general population (gnomAD v.2.1.1) and has been reported in the ClinVar database as a germline variant of uncertain significance by two submitters and as likely benign by two submitters (ClinVar ID: 720573). Computational predictors indicate that the variant is damaging, evidence that correlates with impact to TRMT10A function. Due to limited information, and based on ACMG/AMP guidelines for variant interpretation (Richards S et al., PMID: 25741868), the clinical significance of this variant is uncertain at this time.

GeneDx
Classification: Uncertain significance. Last evaluated: 2023-01-31. Review status: criteria provided, single submitter. Criteria: GeneDx Variant Classification Process June 2021. Collection method: clinical testing. Allele origin: germline. Affected: yes.
Comment: In silico analysis supports that this missense variant has a deleterious effect on protein structure/function; Has not been previously published as pathogenic or benign to our knowledge

Genetic Services Laboratory, University of Chicago
Classification: Uncertain significance. Last evaluated: 2020-04-09. Review status: criteria provided, single submitter. Criteria: ACMG Guidelines, 2015. Collection method: clinical testing. Allele origin: germline. Affected: no.

PreventionGenetics, part of Exact Sciences
Classification: Likely benign for TRMT10A-related condition. Last evaluated: 2022-07-28. Review status: no assertion criteria provided. Collection method: clinical testing. Allele origin: germline. Not counted in ClinVar's aggregate classification.
Comment: This variant is classified as likely benign based on ACMG/AMP sequence variant interpretation guidelines (Richards et al. 2015 PMID: 25741868, with internal and published modifications).